The following is an entry in ClinVar:

ClinVar aggregate classification (germline): Likely pathogenic (1 of 4 stars; one submission).

Conditions:
Spondyloepiphyseal dysplasia, Stanescu type. Also called: SED, STANESCU TYPE; SPONDYLOEPIMETAPHYSEAL DYSPLASIA, STANESCU TYPE. Identifiers: Orphanet 459051, MedGen C4225273, MONDO:0014701, OMIM 616583.

Submission:

HudsonAlpha Institute for Biotechnology
Classification: Likely pathogenic for Spondyloepiphyseal dysplasia, Stanescu type. Last evaluated: 2019-11-19. Review status: criteria provided, single submitter. Criteria: ACMG Guidelines, 2015. Collection method: research. Allele origin: de novo. Affected: yes. Observed: 1 variant allele. Study: CSER-SouthSeq.
Comment: ACMG codes: PS2, PM1, PM2, PP3

NM_001844.5(COL2A1):c.3563G>C (p.Gly1188Ala)

Gene: COL2A1 (collagen type II alpha 1 chain; minus strand). Cytogenetic location: 12q13.11.
Variant type: single nucleotide variant.
Coding change: c.3563G>C on transcript NM_001844.5 (MANE Select); coding-DNA position 3563, G replaced by C.
Protein change: p.Gly1188Ala; replaces glycine 1188 with alanine.
Molecular consequence: missense variant.
Genome position (GRCh38, 1-based): chr12:47,975,997, C>G on the plus strand (G>C on the coding strand, the complement: COL2A1 is on the minus strand). VCF-style: chr12-47975997-C-G. GRCh37 (hg19) VCF-style: chr12-48369780-C-G.
Other names: c.3356G>C, p.Gly1119Ala (NM_033150.3); short protein forms G1188A, G1119A.
Identifiers: ClinVar variation 829805 (VCV000829805.1), dbSNP rs1592197682, ClinGen allele CA384537311.